The following is an entry in ClinVar:

NM_020631.6(PLEKHG5):c.2163G>A (p.Glu721=)

Gene: PLEKHG5 (pleckstrin homology and RhoGEF domain containing G5; minus strand). Cytogenetic location: 1p36.31.
Variant type: single nucleotide variant.
Coding change: c.2163G>A on transcript NM_020631.6 (MANE Select); coding-DNA position 2163, G replaced by A.
Protein change: p.Glu721=; no amino-acid change (glutamic acid 721 retained).
Molecular consequence: synonymous variant.
Genome position (GRCh38, 1-based): chr1:6,469,128, C>T on the plus strand (G>A on the coding strand, the complement: PLEKHG5 is on the minus strand). VCF-style: chr1-6469128-C-T. GRCh37 (hg19) VCF-style: chr1-6529188-C-T.
Other names: p.Glu721=; c.2274G>A, p.Glu758= (NM_001042663.3, NM_001265592.2); c.2163G>A, p.Glu721= (NM_001042664.2, NM_001042665.2, NM_001265594.3 and 1 more transcripts); c.2370G>A, p.Glu790= (NM_001265593.2); c.2163G>A (NM_020631.5).
Identifiers: ClinVar variation 194978 (VCV000194978.25), dbSNP rs62639695, ClinGen allele CA201470.

ClinVar aggregate classification (germline): Benign. Review status: criteria provided, multiple submitters, no conflicts (2 of 4 stars). 8 submissions from 8 submitters: Benign (8). Last evaluated 2026-04-14.

Conditions:
Inborn genetic diseases. Identifiers: MedGen C0950123, MeSH D030342.
Neuronopathy, distal hereditary motor, autosomal recessive 4. Also called: Autosomal recessive lower motor neuron disease with childhood onset; NEUROPATHY, DISTAL HEREDITARY MOTOR, AUTOSOMAL RECESSIVE 4. Identifiers: Orphanet 206580, MedGen C1970211, MONDO:0012608, OMIM 611067.
Charcot-Marie-Tooth disease recessive intermediate C. Also called: CHARCOT-MARIE-TOOTH NEUROPATHY, RECESSIVE INTERMEDIATE C. Identifiers: Orphanet 369867, MedGen C3809309, MONDO:0014154, OMIM 615376.

Allele frequency attached by ClinVar (database versions not stated): gnomAD exomes 0.07405 and 0.07926; ExAC 0.07938; TOPMed 0.09841; gnomAD 0.09966 and 0.10172; 1000 Genomes Project 0.12001; ESP Exome Variant Server 0.12533.
gnomAD v4.1: 124,079 of 1,526,600 alleles (8.1%); highest among the groups gnomAD compares: African/African-American, 17%; 4,563 homozygotes.

Submissions (8):

Women's Health and Genetics/Laboratory Corporation of America, LabCorp
Classification: Benign. Last evaluated: 2026-04-14. Review status: criteria provided, single submitter. Criteria: LabCorp Variant Classification Summary - May 2015. Collection method: clinical testing. Allele origin: germline.

Labcorp Genetics (formerly Invitae), Labcorp
Classification: Benign for Neuronopathy, distal hereditary motor, autosomal recessive 4; Charcot-Marie-Tooth disease recessive intermediate C. Last evaluated: 2026-02-04. Review status: criteria provided, single submitter. Criteria: Invitae Variant Classification Sherloc (09022015). Collection method: clinical testing. Allele origin: germline.

Ambry Genetics
Classification: Benign for Inborn genetic diseases. Last evaluated: 2020-01-08. Review status: criteria provided, single submitter. Criteria: Ambry Variant Classification Scheme 2023. Collection method: clinical testing. Allele origin: germline.

Illumina Laboratory Services, Illumina
Classification: Benign for Neuronopathy, distal hereditary motor, autosomal recessive 4. Last evaluated: 2018-01-13. Review status: criteria provided, single submitter. Criteria: ICSL Variant Classification Criteria 13 December 2019. Collection method: clinical testing. Allele origin: germline.
Comment: This variant was observed in the ICSL laboratory as part of a predisposition screen in an ostensibly healthy population. It had not been previously curated by ICSL or reported in the Human Gene Mutation Database (HGMD: prior to June 1st, 2018), and was therefore a candidate for classification through an automated scoring system. Utilizing variant allele frequency, disease prevalence and penetrance estimates, and inheritance mode, an automated score was calculated to assess if this variant is too frequent to cause the disease. Based on the score and internal cut-off values, a variant classified as benign is not then subjected to further curation. The score for this variant resulted in a classification of benign for this disease.

Mayo Clinic Laboratories, Mayo Clinic
Classification: Benign. Last evaluated: 2016-04-07. Review status: criteria provided, single submitter. Criteria: ACMG Guidelines, 2015. Collection method: clinical testing. Allele origin: germline. Observed: 371 variant alleles.

Eurofins Ntd Llc (ga)
Classification: Benign. Last evaluated: 2015-06-22. Review status: criteria provided, single submitter. Criteria: EGL Classification Definitions 2015. Collection method: clinical testing. Allele origin: germline. Observed: 24 variant alleles, 22 heterozygotes, 2 homozygotes.

GeneDx
Classification: Benign. Last evaluated: 2015-03-03. Review status: criteria provided, single submitter. Criteria: GeneDx Variant Classification Process June 2021. Collection method: clinical testing. Allele origin: germline. Affected: yes.

Breakthrough Genomics
Classification: Benign. Review status: criteria provided, single submitter. Criteria: ACMG Guidelines, 2015. Collection method: not provided. Allele origin: germline. Inheritance: Autosomal recessive inheritance. Affected: yes.